The following is an entry in ClinVar:

NM_001114753.3(ENG):c.1280T>G (p.Val427Gly)

Genes: ENG (endoglin; minus strand), LOC102723566 (uncharacterized LOC102723566; plus strand). Cytogenetic location: 9q34.11.
Variant type: single nucleotide variant.
Coding change: c.1280T>G on transcript NM_001114753.3 (MANE Select); coding-DNA position 1280, T replaced by G.
Protein change: p.Val427Gly; replaces valine 427 with glycine.
Molecular consequence: missense variant.
Genome position (GRCh38, 1-based): chr9:127,819,653, A>C on the plus strand (T>G on the coding strand, the complement: ENG is on the minus strand). VCF-style: chr9-127819653-A-C. GRCh37 (hg19) VCF-style: chr9-130581932-A-C.
Other names: c.1280T>G, p.Val427Gly (NM_000118.4); c.734T>G, p.Val245Gly (NM_001278138.2); short protein forms V245G, V427G.
Identifiers: ClinVar variation 3068568 (VCV003068568.1), dbSNP rs2539063296, ClinGen allele CA374978119.

ClinVar aggregate classification (germline): Likely pathogenic (1 of 4 stars; one submission).

Conditions:
Hereditary hemorrhagic telangiectasia (HHT). Also called: Osler hemorrhagic telangiectasia syndrome; ORW DISEASE; Osler Weber Rendu syndrome; OSLER-RENDU-WEBER DISEASE. Identifiers: Orphanet 774, MedGen C0039445, MONDO:0019180. Disease mechanism: loss of function.

Submission:

Molecular Genetics, Royal Melbourne Hospital
Classification: Likely pathogenic for Hereditary hemorrhagic telangiectasia. Last evaluated: 2024-02-05. Review status: criteria provided, single submitter. Criteria: ACMG Guidelines, 2015. Collection method: clinical testing. Allele origin: germline. Inheritance: Autosomal dominant inheritance. Affected: yes.
Comment: This sequence change in ENG is predicted to replace valine with glycine at codon 427, p.(Val427Gly). The valine residue is moderately conserved (100 vertebrates, Multiz Alignments), and is located in the zona pellucida domain. There is a large physicochemical difference between valine and glycine. This variant is absent from the population database gnomAD v4.0. To our knowledge, this variant has not been reported in the literature in any individuals. It has been identified in a single family with a clinical diagnosis of hereditary haemorrhagic telangiectasia and segregates with the disease within the family over three generations (Royal Melbourne Hospital). Computational evidence is uninformative for the missense substitution (REVEL=0.37). Based on the classification scheme RMH Modified ACMG Guidelines v1.6.1, this variant is classified as LIKELY PATHOGENIC. Following criteria are met: PP1_Strong, PS4_Supporting, PM2_Supporting.